The following is an entry in ClinVar:

NM_000088.4(COL1A1):c.1249C>G (p.Pro417Ala)

Gene: COL1A1 (collagen type I alpha 1 chain; minus strand). Cytogenetic location: 17q21.33.
Variant type: single nucleotide variant.
Coding change: c.1249C>G on transcript NM_000088.4 (MANE Select); coding-DNA position 1249, C replaced by G.
Protein change: p.Pro417Ala; replaces proline 417 with alanine.
Molecular consequence: missense variant.
Genome position (GRCh38, 1-based): chr17:50,195,282, G>C on the plus strand (C>G on the coding strand, the complement: COL1A1 is on the minus strand). VCF-style: chr17-50195282-G-C. GRCh37 (hg19) VCF-style: chr17-48272643-G-C.
Other names: short protein forms P417A.
Identifiers: ClinVar variation 284534 (VCV000284534.29), dbSNP rs72648327, ClinGen allele CA8645333.
Genomic context (GRCh38, chr17:50,195,282, plus strand): 5'-TGGTACTCACGCTGTTACCCTTGGGACCAGGAGGGCCGCCGGGGCCCTGGGGTCCAGAGG[G>C]GCCTCGGGCACCAGGGAAGCCAGGAGCACCAGCAATACCAGGAGCACCCTGTGGGAGGCA-3'
Protein context (NP_000079.2, residues 407-427): GAPGFPGARG[Pro417Ala]SGPQGPGGPP

ClinVar aggregate classification (germline): Conflicting classifications of pathogenicity. Review status: criteria provided, conflicting classifications (1 of 4 stars). 11 submissions from 9 submitters: Uncertain significance (1); Benign (2); Likely benign (8). Last evaluated 2026-09-21.

Conditions:
Cardiovascular phenotype. Identifiers: MedGen CN230736.
Osteogenesis imperfecta type I (OI1). Also called: Classic Non-deforming Osteogenesis Imperfecta with Blue Sclerae; OI, TYPE I; OSTEOGENESIS IMPERFECTA TARDA; OSTEOGENESIS IMPERFECTA WITH BLUE SCLERAE; Lobstein disease; Osteogenesis imperfecta type 1. Identifiers: Orphanet 216796, Orphanet 666, MedGen C0023931, MONDO:0008146, OMIM 166200. Disease mechanism: loss of function.
Osteogenesis imperfecta (OI). Identifiers: Orphanet 666, MedGen C0029434, MeSH D010013, MONDO:0019019.
Infantile cortical hyperostosis. Also called: P1PK BLOOD GROUP SYSTEM, P(2) PHENOTYPE; Hyperostosis, Cortical, Congenital; Caffey Disease. Identifiers: Orphanet 1310, MedGen C0020497, MONDO:0007244, OMIM 114000.
Ehlers-Danlos syndrome, arthrochalasia type. Also called: ARTHROCHALASIS MULTIPLEX CONGENITA; Ehlers-Danlos syndrome, arthrochalasis type; Ehlers-Danlos syndrome, arthrochalasia type, 1; EDS VII, MUTANT PROCOLLAGEN TYPE; EDS VIIA. Identifiers: Orphanet 1899, Orphanet 99875, Orphanet 99876, MedGen C4551623, MONDO:0007525, OMIM 130060.

Allele frequency attached by ClinVar (database versions not stated): 1000 Genomes Project 30x 0.00016; TOPMed 0.00016; ESP Exome Variant Server 0.00046; 1000 Genomes Project 0.00020.
gnomAD v4.1: 660 of 1,613,524 alleles (0.041%); highest among the groups gnomAD compares: South Asian, 0.34%; 4 homozygotes.

Submissions (11):

Molecular Diagnostic Laboratory for Inherited Cardiovascular Disease, Montreal Heart Institute
Classification: Likely benign. Last evaluated: 2026-09-21. Review status: criteria provided, single submitter. Criteria: ACMG Guidelines, 2015. Collection method: clinical testing. Allele origin: germline. Affected: no.
Comment: PP2, BS1

Labcorp Genetics (formerly Invitae), Labcorp
Classification: Likely benign for Osteogenesis imperfecta type I. Last evaluated: 2026-01-21. Review status: criteria provided, single submitter. Criteria: Invitae Variant Classification Sherloc (09022015). Collection method: clinical testing. Allele origin: germline.

Blueprint Genetics
Classification: Likely benign. Last evaluated: 2024-11-13. Review status: criteria provided, single submitter. Criteria: ACMG Guidelines, 2015. Collection method: clinical testing. Allele origin: germline.

Women's Health and Genetics/Laboratory Corporation of America, LabCorp
Classification: Likely benign. Last evaluated: 2024-11-13. Review status: criteria provided, single submitter. Criteria: LabCorp Variant Classification Summary - May 2015. Collection method: clinical testing. Allele origin: germline.
Comment: Variant summary: COL1A1 c.1249C>G (p.Pro417Ala) results in a non-conservative amino acid change located in the Collagen triple helix repeat domain of the encoded protein sequence. Three of five in-silico tools predict a damaging effect of the variant on protein function. The variant allele was found at a frequency of 0.00068 in 250042 control chromosomes in the gnomAD database, including 3 homozygotes. The observed variant frequency is approximately 24 fold of the estimated maximal expected allele frequency for a pathogenic variant in COL1A1 causing Osteogenesis Imperfecta phenotype (2.8e-05). To our knowledge, no occurrence of c.1249C>G in individuals affected with Osteogenesis Imperfecta and no experimental evidence demonstrating its impact on protein function have been reported. The following publication has been ascertained in the context of this evaluation (PMID: 15741671). ClinVar contains an entry for this variant (Variation ID: 284534). Based on the evidence outlined above, the variant was classified as likely benign.

Ambry Genetics
Classification: Likely benign for Cardiovascular phenotype. Last evaluated: 2022-04-07. Review status: criteria provided, single submitter. Criteria: Ambry Variant Classification Scheme 2023. Collection method: clinical testing. Allele origin: germline.

Genome Diagnostics Laboratory, The Hospital for Sick Children
Classification: Likely benign for Osteogenesis imperfecta. Last evaluated: 2021-01-22. Review status: criteria provided, single submitter. Criteria: ACMG Guidelines, 2015. Collection method: clinical testing. Allele origin: germline.

GeneDx
Classification: Likely benign. Last evaluated: 2020-06-01. Review status: criteria provided, single submitter. Criteria: GeneDx Variant Classification Process June 2021. Collection method: clinical testing. Allele origin: germline. Affected: yes.
Comment: This variant is associated with the following publications: (PMID: 15741671, 18028452, 31061748)

Illumina Laboratory Services, Illumina
Classification: Uncertain significance for Infantile cortical hyperostosis. Last evaluated: 2017-04-28. Review status: criteria provided, single submitter. Criteria: ICSL Variant Classification Criteria 13 December 2019. Collection method: clinical testing. Allele origin: germline.

Illumina Laboratory Services, Illumina
Classification: Benign for Ehlers-Danlos syndrome, arthrochalasia type. Last evaluated: 2017-04-28. Review status: criteria provided, single submitter. Criteria: ICSL Variant Classification Criteria 13 December 2019. Collection method: clinical testing. Allele origin: germline.
Comment: This variant was observed as part of a predisposition screen in an ostensibly healthy population. A literature search was performed for the gene, cDNA change, and amino acid change (where applicable). No publications were found based on this search. Allele frequency data from public databases was too high to be consistent with this variant causing disease. Therefore, this variant is classified as benign.

Illumina Laboratory Services, Illumina
Classification: Benign for Osteogenesis imperfecta. Last evaluated: 2017-04-28. Review status: criteria provided, single submitter. Criteria: ICSL Variant Classification Criteria 13 December 2019. Collection method: clinical testing. Allele origin: germline.
Comment: This variant was observed as part of a predisposition screen in an ostensibly healthy population. A literature search was performed for the gene, cDNA change, and amino acid change (where applicable). Publications were found based on this search. The evidence from the literature, in combination with allele frequency data from public databases where available, was sufficient to rule this variant out of causing disease. Therefore, this variant is classified as benign.

Eurofins Ntd Llc (ga)
Classification: Likely benign. Last evaluated: 2015-11-13. Review status: criteria provided, single submitter. Criteria: EGL Classification Definitions 2015. Collection method: clinical testing. Allele origin: germline.

Literature cited by the submitters: PubMed 15741671 (cited by Women's Health and Genetics/Laboratory Corporation of America, LabCorp and Illumina Laboratory Services, Illumina).